The following is an entry in ClinVar:

ClinVar aggregate classification (germline): Likely benign (1 of 4 stars; one submission).

Allele frequency attached by ClinVar (database versions not stated): ExAC 0.00008; ESP Exome Variant Server 0.00008; gnomAD 0.00009; 1000 Genomes Project 30x 0.00016; 1000 Genomes Project 0.00020.
gnomAD v4.1: 96 of 1,613,930 alleles (0.0059%); highest among the groups gnomAD compares: Non-Finnish European, 0.007%; no homozygotes.

Submission:

CeGaT Center for Human Genetics Tuebingen
Classification: Likely benign. Last evaluated: 2023-03-01. Review status: criteria provided, single submitter. Criteria: CeGaT Center For Human Genetics Tuebingen Variant Classification Criteria Version 2. Collection method: clinical testing. Allele origin: germline. Affected: yes. Observed: 1 variant allele.
Comment: SLC24A4: BP4, BP7

NM_153646.4(SLC24A4):c.1218G>A (p.Pro406=)

Gene: SLC24A4 (solute carrier family 24 member 4; plus strand). Cytogenetic location: 14q32.12.
Variant type: single nucleotide variant.
Coding change: c.1218G>A on transcript NM_153646.4 (MANE Select); coding-DNA position 1218, G replaced by A.
Protein change: p.Pro406=; no amino-acid change (proline 406 retained).
Molecular consequence: synonymous variant.
Genome position (GRCh38, 1-based): chr14:92,456,571, G>A. VCF-style: chr14-92456571-G-A. GRCh37 (hg19) VCF-style: chr14-92922915-G-A.
Other names: c.1026G>A, p.Pro342= (NM_153648.4); c.1218G>A, p.Pro406= (NM_001378620.1); c.1161G>A, p.Pro387= (NM_001425254.1, NM_153647.4).
Identifiers: ClinVar variation 2644470 (VCV002644470.24), dbSNP rs372011438, ClinGen allele CA7316052.